The following is an entry in ClinVar:

ClinVar aggregate classification (germline): Uncertain significance (1 of 4 stars; one submission).

Conditions:
Nemaline myopathy 10 (NEM10). Identifiers: MedGen C4015360, MONDO:0014513, OMIM 616165.

Submission:

Labcorp Genetics (formerly Invitae), Labcorp
Classification: Uncertain significance for Nemaline myopathy 10. Last evaluated: 2021-08-31. Review status: criteria provided, single submitter. Criteria: Invitae Variant Classification Sherloc (09022015). Collection method: clinical testing. Allele origin: germline.
Comment: This variant, c.441_443del, results in the deletion of 1 amino acid(s) of the LMOD3 protein (p.Asp147del), but otherwise preserves the integrity of the reading frame. This variant is not present in population databases (ExAC no frequency). This variant has not been reported in the literature in individuals affected with LMOD3-related conditions. Experimental studies and prediction algorithms are not available or were not evaluated, and the functional significance of this variant is currently unknown. In summary, the available evidence is currently insufficient to determine the role of this variant in disease. Therefore, it has been classified as a Variant of Uncertain Significance.

NM_198271.5(LMOD3):c.441_443del (p.Asp147del)

Gene: LMOD3 (leiomodin 3; minus strand). Cytogenetic location: 3p14.1.
Variant type: Deletion.
Coding change: c.441_443del on transcript NM_198271.5 (MANE Select); coding-DNA positions 441 to 443, 3 bases deleted (TGA; older notation c.441_443delTGA).
Protein change: p.Asp147del; deletes aspartic acid 147.
Molecular consequence: inframe deletion.
Genome position (GRCh38, 1-based): chr3:69,119,912-69,119,914, TCA deleted on the plus strand (TGA on the coding strand, the reverse complement: LMOD3 is on the minus strand); deleting any 3 consecutive bases within chr3:69,119,912-69,119,916 gives the same sequence; the c. name uses the placement nearest the transcript's 3' end. VCF-style (leftmost placement, unchanged base first): chr3-69119911-TTCA-T. GRCh37 (hg19) VCF-style: chr3-69169062-TTCA-T.
Other names: c.441_443del, p.Asp147del (NM_001304418.3); short protein forms D147del.
Identifiers: ClinVar variation 1057814 (VCV001057814.2), dbSNP rs2107526849, ClinGen allele CA2499216977.